The following is an entry in ClinVar:

NM_006231.4(POLE):c.5347G>C (p.Asp1783His)

Gene: POLE (DNA polymerase epsilon, catalytic subunit; minus strand). Cytogenetic location: 12q24.33.
Variant type: single nucleotide variant.
Coding change: c.5347G>C on transcript NM_006231.4 (MANE Select); coding-DNA position 5347, G replaced by C.
Protein change: p.Asp1783His; replaces aspartic acid 1783 with histidine.
Molecular consequence: missense variant.
Genome position (GRCh38, 1-based): chr12:132,641,678, C>G on the plus strand (G>C on the coding strand, the complement: POLE is on the minus strand). VCF-style: chr12-132641678-C-G. GRCh37 (hg19) VCF-style: chr12-133218264-C-G.
Other names: short protein forms D1783H.
Identifiers: ClinVar variation 540643 (VCV000540643.15), dbSNP rs149893630, ClinGen allele CA387375797.

ClinVar aggregate classification (germline): Uncertain significance. Review status: criteria provided, multiple submitters, no conflicts (2 of 4 stars). 2 submissions from 2 submitters: Uncertain significance (2). Last evaluated 2025-09-06.

Conditions:
Hereditary cancer-predisposing syndrome. Also called: Neoplastic Syndromes, Hereditary; Hereditary Cancer Syndrome; Hereditary neoplastic syndrome; Tumor predisposition. Identifiers: Orphanet 140162, MedGen C0027672, MeSH D009386, MONDO:0015356.

Allele frequency attached by ClinVar (database versions not stated): TOPMed 0.00002.
gnomAD v4.1: 13 of 1,614,048 alleles (0.00081%); highest among the groups gnomAD compares: East Asian, 0.029%; no homozygotes.

Submissions (2):

Ambry Genetics
Classification: Uncertain significance for Hereditary cancer-predisposing syndrome. Last evaluated: 2025-09-06. Review status: criteria provided, single submitter. Criteria: Ambry Variant Classification Scheme 2023. Collection method: clinical testing. Allele origin: germline.
Comment: The p.D1783H variant (also known as c.5347G>C), located in coding exon 39 of the POLE gene, results from a G to C substitution at nucleotide position 5347. The aspartic acid at codon 1783 is replaced by histidine, an amino acid with similar properties. This amino acid position is conserved. In addition, the in silico prediction for this alteration is inconclusive. Since supporting evidence is limited at this time, the clinical significance of this alteration remains unclear.

Labcorp Genetics (formerly Invitae), Labcorp
Classification: Uncertain significance. Last evaluated: 2025-08-04. Review status: criteria provided, single submitter. Criteria: Invitae Variant Classification Sherloc (09022015). Collection method: clinical testing. Allele origin: germline.
Comment: This sequence change replaces aspartic acid, which is acidic and polar, with histidine, which is basic and polar, at codon 1783 of the POLE protein (p.Asp1783His). This variant is present in population databases (no rsID available, gnomAD 0.01%). This variant has not been reported in the literature in individuals affected with POLE-related conditions. ClinVar contains an entry for this variant (Variation ID: 540643). Invitae Evidence Modeling of protein sequence and biophysical properties (such as structural, functional, and spatial information, amino acid conservation, physicochemical variation, residue mobility, and thermodynamic stability) has been performed for this missense variant. However, the output from this modeling did not meet the statistical confidence thresholds required to predict the impact of this variant on POLE protein function. In summary, the available evidence is currently insufficient to determine the role of this variant in disease. Therefore, it has been classified as a Variant of Uncertain Significance.